The following is an entry in ClinVar:

NM_001182.5(ALDH7A1):c.696-56T>C

Gene: ALDH7A1 (aldehyde dehydrogenase 7 family member A1; minus strand). Cytogenetic location: 5q23.2.
Variant type: single nucleotide variant.
Coding change: c.696-56T>C on transcript NM_001182.5 (MANE Select); 56 bases into the intron before coding-DNA position 696, T replaced by C.
Molecular consequence: intron variant.
Genome position (GRCh38, 1-based): chr5:126,570,915, A>G on the plus strand (T>C on the coding strand, the complement: ALDH7A1 is on the minus strand). VCF-style: chr5-126570915-A-G. GRCh37 (hg19) VCF-style: chr5-125906607-A-G.
Other names: c.696-56T>C (NM_001202404.2); c.612-56T>C (NM_001201377.2).
Identifiers: ClinVar variation 673501 (VCV000673501.1), dbSNP rs180985029, ClinGen allele CA126903948.

ClinVar aggregate classification (germline): Likely benign (1 of 4 stars; one submission).

Allele frequency attached by ClinVar (database versions not stated): 1000 Genomes Project 30x 0.00187; 1000 Genomes Project 0.00220; TOPMed 0.00277; ESP Exome Variant Server 0.00350; gnomAD 0.00422 and 0.00439; gnomAD exomes 0.00524.
gnomAD v4.1: 7,928 of 1,561,714 alleles (0.51%); highest among the groups gnomAD compares: Non-Finnish European, 0.55%; 34 homozygotes.

Submission:

GeneDx
Classification: Likely benign. Last evaluated: 2018-06-16. Review status: criteria provided, single submitter. Criteria: GeneDx Variant Classification (06012015). Collection method: clinical testing. Allele origin: germline. Affected: yes.
Comment: This variant is considered likely benign or benign based on one or more of the following criteria: it is a conservative change, it occurs at a poorly conserved position in the protein, it is predicted to be benign by multiple in silico algorithms, and/or has population frequency not consistent with disease.